The following is an entry in ClinVar:

NM_021098.3(CACNA1H):c.3554C>T (p.Ala1185Val)

Gene: CACNA1H (calcium voltage-gated channel subunit alpha1 H; plus strand). Cytogenetic location: 16p13.3.
Variant type: single nucleotide variant.
Coding change: c.3554C>T on transcript NM_021098.3 (MANE Select); coding-DNA position 3554, C replaced by T.
Protein change: p.Ala1185Val; replaces alanine 1185 with valine.
Molecular consequence: missense variant.
Genome position (GRCh38, 1-based): chr16:1,209,222, C>T. VCF-style: chr16-1209222-C-T. GRCh37 (hg19) VCF-style: chr16-1259222-C-T.
Other names: c.3554C>T, p.Ala1185Val (NM_001005407.2); short protein forms A1185V.
Identifiers: ClinVar variation 1317171 (VCV001317171.9), dbSNP rs769568324, ClinGen allele CA7800795.

ClinVar aggregate classification (germline): Conflicting classifications of pathogenicity. Review status: criteria provided, conflicting classifications (1 of 4 stars). 4 submissions from 4 submitters: Uncertain significance (3); Benign (1). Last evaluated 2025-06-12.

Conditions:
Hyperaldosteronism, familial, type IV (HALD4). Also called: FH IV; ALDOSTERONISM, PRIMARY, AND HYPERTENSION. Identifiers: Orphanet 642671, MedGen C4310756, MONDO:0014875, OMIM 617027.
Idiopathic generalized epilepsy. Also called: Generalised epilepsy; EIG. Identifiers: MedGen C0270850, MONDO:0005579, OMIM 600669.
Inborn genetic diseases. Identifiers: MedGen C0950123, MeSH D030342.
Epilepsy, childhood absence, susceptibility to, 6. Identifiers: Orphanet 64280, MedGen C2749872, MONDO:0012763, OMIM 611942.

Allele frequency attached by ClinVar (database versions not stated): gnomAD exomes 0.00003 and 0.00006; TOPMed 0.00003; gnomAD 0.00005 and 0.00006; ExAC 0.00008.
gnomAD v4.1: 98 of 1,544,734 alleles (0.0063%); highest among the groups gnomAD compares: Non-Finnish European, 0.0079%; no homozygotes.

Submissions (4):

Labcorp Genetics (formerly Invitae), Labcorp
Classification: Benign for Idiopathic generalized epilepsy; Hyperaldosteronism, familial, type IV. Last evaluated: 2025-06-12. Review status: criteria provided, single submitter. Criteria: Invitae Variant Classification Sherloc (09022015). Collection method: clinical testing. Allele origin: germline.

Fulgent Genetics
Classification: Uncertain significance for Epilepsy, childhood absence, susceptibility to, 6; Hyperaldosteronism, familial, type IV. Last evaluated: 2024-03-25. Review status: criteria provided, single submitter. Criteria: ACMG Guidelines, 2015. Collection method: clinical testing. Allele origin: germline.

Ambry Genetics
Classification: Uncertain significance for Inborn genetic diseases. Last evaluated: 2021-12-14. Review status: criteria provided, single submitter. Criteria: Ambry Variant Classification Scheme 2023. Collection method: clinical testing. Allele origin: germline.

GeneDx
Classification: Uncertain significance. Last evaluated: 2021-04-19. Review status: criteria provided, single submitter. Criteria: GeneDx Variant Classification Process June 2021. Collection method: clinical testing. Allele origin: germline. Affected: yes.
Comment: In silico analysis supports that this missense variant does not alter protein structure/function; Has not been previously published as pathogenic or benign to our knowledge